The following is an entry in ClinVar:

ClinVar aggregate classification (germline): Uncertain significance (1 of 4 stars; one submission).

Submission:

CeGaT Center for Human Genetics Tuebingen
Classification: Uncertain significance. Last evaluated: 2023-06-01. Review status: criteria provided, single submitter. Criteria: CeGaT Center For Human Genetics Tuebingen Variant Classification Criteria Version 2. Collection method: clinical testing. Allele origin: germline. Affected: yes. Observed: 1 variant allele.
Comment: SPTBN5: PM2

NM_016642.4(SPTBN5):c.8866_8893del (p.Gly2956fs)

Gene: SPTBN5 (spectrin beta, non-erythrocytic 5; minus strand). Cytogenetic location: 15q15.1.
Variant type: Deletion.
Coding change: c.8866_8893del on transcript NM_016642.4 (MANE Select); coding-DNA positions 8866 to 8893, 28 bases deleted (GGGTACAAGCTGGTGCAGGCTGGGCACT).
Protein change: p.Gly2956fs; shifts the reading frame from glycine 2956.
Molecular consequence: frameshift variant.
Genome position (GRCh38, 1-based): chr15:41,856,514-41,856,541, AGTGCCCAGCCTGCACCAGCTTGTACCC deleted on the plus strand (GGGTACAAGCTGGTGCAGGCTGGGCACT on the coding strand, the reverse complement: SPTBN5 is on the minus strand); deleting any 28 consecutive bases within chr15:41,856,514-41,856,551 gives the same sequence; the c. name uses the placement nearest the transcript's 3' end. VCF-style (leftmost placement, unchanged base first): chr15-41856513-AAGTGCCCAGCCTGCACCAGCTTGTACCC-A. GRCh37 (hg19) VCF-style: chr15-42148711-AAGTGCCCAGCCTGCACCAGCTTGTACCC-A.
Other names: short protein forms G2956fs.
Identifiers: ClinVar variation 2645212 (VCV002645212.24), dbSNP rs756801395, ClinGen allele CA7501699.
Genomic context (GRCh38, chr15:41,856,513, plus strand): 5'-CGCAGGTGGGCCATGGCCTTCTCCAGCTGCTGCACCCGGGCGGCCACCTCGTGGGCGGCA[AAGTGCCCAGCCTGCACCAGCTTGTACCC>A]AGTGCCCAGCACCACCCGGGTCAGAGCCTCGTGGCTGCTCATCTCACTCTCCAGGTTCTG-3'